The following is an entry in ClinVar:

NM_001042492.3(NF1):c.5467T>C (p.Ser1823Pro)

Gene: NF1 (neurofibromin 1; plus strand). Cytogenetic location: 17q11.2.
Variant type: single nucleotide variant.
Coding change: c.5467T>C on transcript NM_001042492.3 (MANE Select); coding-DNA position 5467, T replaced by C.
Protein change: p.Ser1823Pro; replaces serine 1823 with proline.
Molecular consequence: missense variant.
Genome position (GRCh38, 1-based): chr17:31,327,697, T>C. VCF-style: chr17-31327697-T-C. GRCh37 (hg19) VCF-style: chr17-29654715-T-C.
Other names: c.5404T>C, p.Ser1802Pro (NM_000267.4); short protein forms S1823P, S1802P.
Identifiers: ClinVar variation 485939 (VCV000485939.12), dbSNP rs1555533592, ClinGen allele CA399009508.

ClinVar aggregate classification (germline): Uncertain significance. Review status: criteria provided, multiple submitters, no conflicts (2 of 4 stars). 3 submissions from 3 submitters: Uncertain significance (3). Last evaluated 2024-12-23.

Conditions:
Cardiovascular phenotype. Identifiers: MedGen CN230736.
Hereditary cancer-predisposing syndrome. Also called: Tumor predisposition; Neoplastic Syndromes, Hereditary; Hereditary Cancer Syndrome; Hereditary neoplastic syndrome. Identifiers: Orphanet 140162, MedGen C0027672, MeSH D009386, MONDO:0015356.
Neurofibromatosis, type 1 (NF1). Also called: NEUROFIBROMATOSIS, TYPE I, SOMATIC; VON RECKLINGHAUSEN DISEASE; Neurofibromatosis, type I; Peripheral type neurofibromatosis. Identifiers: Orphanet 636, MedGen C0027831, MONDO:0018975, OMIM 162200. Disease mechanism: loss of function.

Submissions (3):

Labcorp Genetics (formerly Invitae), Labcorp
Classification: Uncertain significance for Neurofibromatosis, type 1. Last evaluated: 2024-12-23. Review status: criteria provided, single submitter. Criteria: Invitae Variant Classification Sherloc (09022015). Collection method: clinical testing. Allele origin: germline.
Comment: This sequence change replaces serine, which is neutral and polar, with proline, which is neutral and non-polar, at codon 1802 of the NF1 protein (p.Ser1802Pro). This variant is not present in population databases (gnomAD no frequency). This variant has not been reported in the literature in individuals affected with NF1-related conditions. ClinVar contains an entry for this variant (Variation ID: 485939). Invitae Evidence Modeling of protein sequence and biophysical properties (such as structural, functional, and spatial information, amino acid conservation, physicochemical variation, residue mobility, and thermodynamic stability) indicates that this missense variant is expected to disrupt NF1 protein function with a positive predictive value of 95%. In summary, the available evidence is currently insufficient to determine the role of this variant in disease. Therefore, it has been classified as a Variant of Uncertain Significance.

Genome-Nilou Lab
Classification: Uncertain significance for Neurofibromatosis, type 1. Last evaluated: 2022-03-15. Review status: criteria provided, single submitter. Criteria: ACMG Guidelines, 2015. Collection method: clinical testing. Allele origin: germline. Affected: no.

Ambry Genetics
Classification: Uncertain significance for Cardiovascular phenotype; Hereditary cancer-predisposing syndrome. Last evaluated: 2016-04-19. Review status: criteria provided, single submitter. Criteria: Ambry Variant Classification Scheme 2023. Collection method: clinical testing. Allele origin: germline.
Comment: The p.S1802P variant (also known as c.5404T>C), located in coding exon 37 of the NF1 gene, results from a T to C substitution at nucleotide position 5404. The serine at codon 1802 is replaced by proline, an amino acid with similar properties. This variant was not reported in population based cohorts in the following databases: Database of Single Nucleotide Polymorphisms (dbSNP), NHLBI Exome Sequencing Project (ESP), and 1000 Genomes Project. In the ESP, this variant was not observed in 6503 samples (13006 alleles) with coverage at this position. To date, this alteration has been detected with an allele frequency of approximately 0.001% (greater than 110000 alleles tested) in our clinical cohort. This amino acid position is highly conserved in available vertebrate species. In addition, this alteration is predicted to be deleterious by in silico analysis. Since supporting evidence is limited at this time, the clinical significance of this alteration remains unclear.